The following is an entry in ClinVar:

NM_130398.4(EXO1):c.2212-1G>C

Gene: EXO1 (exonuclease 1; plus strand). Cytogenetic location: 1q43.
Variant type: single nucleotide variant.
Coding change: c.2212-1G>C on transcript NM_130398.4 (MANE Select); the canonical splice acceptor site of the intron before coding-DNA position 2212, G replaced by C.
Molecular consequence: splice acceptor variant.
Genome position (GRCh38, 1-based): chr1:241,885,313, G>C. VCF-style: chr1-241885313-G-C. GRCh37 (hg19) VCF-style: chr1-242048615-G-C.
Other names: NC_000001.10:g.242048615G>C; c.2212-1G>C (NM_130398.3, NM_006027.4, NM_003686.4); c.2209-1G>C (NM_001319224.2).
Identifiers: ClinVar variation 708631 (VCV000708631.49), dbSNP rs4150000, ClinGen allele CA1481571.

ClinVar aggregate classification (germline): Conflicting classifications of pathogenicity. Review status: criteria provided, conflicting classifications (1 of 4 stars). 4 submissions from 4 submitters: Uncertain significance (1); Likely benign (2). 1 of the submissions does not count toward it. Last evaluated 2024-11-06.

Conditions:
EXO1-related disorder. Also called: EXO1-related condition.

Allele frequency attached by ClinVar (database versions not stated): 1000 Genomes Project 0.00120; 1000 Genomes Project 30x 0.00125; TOPMed 0.00182; gnomAD 0.00185; ESP Exome Variant Server 0.00215.

Submissions (23):

Blueprint Genetics
Classification: Likely benign. Last evaluated: 2024-11-06. Review status: criteria provided, single submitter. Criteria: ACMG Guidelines, 2015. Collection method: clinical testing. Allele origin: germline.

Labcorp Genetics (formerly Invitae), Labcorp
Classification: Likely benign. Last evaluated: 2019-12-31. Review status: criteria provided, single submitter. Criteria: Invitae Variant Classification Sherloc (09022015). Collection method: clinical testing. Allele origin: germline.

CeGaT Center for Human Genetics Tuebingen
Classification: Uncertain significance. Last evaluated: 2018-06-01. Review status: criteria provided, single submitter. Criteria: CeGaT Center For Human Genetics Tuebingen Variant Classification Criteria Version 2. Collection method: clinical testing. Allele origin: germline. Affected: yes. Observed: 1 variant allele.

PreventionGenetics, part of Exact Sciences
Classification: Likely benign for EXO1-related condition. Last evaluated: 2023-02-27. Review status: no assertion criteria provided. Collection method: clinical testing. Allele origin: germline. Not counted in ClinVar's aggregate classification.
Comment: This variant is classified as likely benign based on ACMG/AMP sequence variant interpretation guidelines (Richards et al. 2015 PMID: 25741868, with internal and published modifications).

Dr. Peter K. Rogan Lab, Western University
No classification provided (evidence only). Condition: Clear cell carcinoma of kidney. Review status: no classification provided. Collection method: in vitro. Allele origin: not applicable. Functional consequence: retained intron. Not counted in ClinVar's aggregate classification.

Dr. Peter K. Rogan Lab, Western University
No classification provided (evidence only). Condition: Lung cancer. Review status: no classification provided. Collection method: in vitro. Allele origin: not applicable. Functional consequence: retained intron. Not counted in ClinVar's aggregate classification.

Dr. Peter K. Rogan Lab, Western University
No classification provided (evidence only). Condition: Melanoma. Review status: no classification provided. Collection method: in vitro. Allele origin: not applicable. Functional consequence: retained intron. Not counted in ClinVar's aggregate classification.

Dr. Peter K. Rogan Lab, Western University
No classification provided (evidence only). Condition: Familial cancer of breast. Review status: no classification provided. Collection method: in vitro. Allele origin: not applicable. Functional consequence: retained intron. Not counted in ClinVar's aggregate classification.

Dr. Peter K. Rogan Lab, Western University
No classification provided (evidence only). Condition: Familial cancer of breast. Review status: no classification provided. Collection method: in vitro. Allele origin: not applicable. Functional consequence: retained intron. Not counted in ClinVar's aggregate classification.

Dr. Peter K. Rogan Lab, Western University
No classification provided (evidence only). Condition: Familial cancer of breast. Review status: no classification provided. Collection method: in vitro. Allele origin: not applicable. Functional consequence: skipped exon, retained intron. Not counted in ClinVar's aggregate classification.

Dr. Peter K. Rogan Lab, Western University
No classification provided (evidence only). Condition: Acute myeloid leukemia. Review status: no classification provided. Collection method: in vitro. Allele origin: not applicable. Functional consequence: retained intron. Not counted in ClinVar's aggregate classification.

Dr. Peter K. Rogan Lab, Western University
No classification provided (evidence only). Condition: Colon adenocarcinoma. Review status: no classification provided. Collection method: in vitro. Allele origin: not applicable. Functional consequence: retained intron. Not counted in ClinVar's aggregate classification.

Dr. Peter K. Rogan Lab, Western University
No classification provided (evidence only). Condition: Colon adenocarcinoma. Review status: no classification provided. Collection method: in vitro. Allele origin: not applicable. Functional consequence: retained intron. Not counted in ClinVar's aggregate classification.

Dr. Peter K. Rogan Lab, Western University
No classification provided (evidence only). Condition: Colorectal cancer. Review status: no classification provided. Collection method: in vitro. Allele origin: not applicable. Functional consequence: retained intron. Not counted in ClinVar's aggregate classification.

Dr. Peter K. Rogan Lab, Western University
No classification provided (evidence only). Condition: Cervical cancer. Review status: no classification provided. Collection method: in vitro. Allele origin: not applicable. Functional consequence: skipped exon, retained intron. Not counted in ClinVar's aggregate classification.

Dr. Peter K. Rogan Lab, Western University
No classification provided (evidence only). Condition: Cervical cancer. Review status: no classification provided. Collection method: in vitro. Allele origin: not applicable. Functional consequence: retained intron. Not counted in ClinVar's aggregate classification.

Dr. Peter K. Rogan Lab, Western University
No classification provided (evidence only). Condition: Malignant lymphoma, large B-cell, diffuse. Review status: no classification provided. Collection method: in vitro. Allele origin: not applicable. Functional consequence: skipped exon, retained intron. Not counted in ClinVar's aggregate classification.

Dr. Peter K. Rogan Lab, Western University
No classification provided (evidence only). Condition: Ovarian serous cystadenocarcinoma. Review status: no classification provided. Collection method: in vitro. Allele origin: not applicable. Functional consequence: retained intron. Not counted in ClinVar's aggregate classification.

Dr. Peter K. Rogan Lab, Western University
No classification provided (evidence only). Condition: Ovarian serous cystadenocarcinoma. Review status: no classification provided. Collection method: in vitro. Allele origin: not applicable. Functional consequence: retained intron. Not counted in ClinVar's aggregate classification.

Dr. Peter K. Rogan Lab, Western University
No classification provided (evidence only). Condition: Ovarian serous cystadenocarcinoma. Review status: no classification provided. Collection method: in vitro. Allele origin: not applicable. Functional consequence: retained intron. Not counted in ClinVar's aggregate classification.

Dr. Peter K. Rogan Lab, Western University
No classification provided (evidence only). Condition: Malignant tumor of esophagus. Review status: no classification provided. Collection method: in vitro. Allele origin: not applicable. Functional consequence: skipped exon, retained intron. Not counted in ClinVar's aggregate classification.

Dr. Peter K. Rogan Lab, Western University
No classification provided (evidence only). Condition: Chronic lymphocytic leukemia/small lymphocytic lymphoma. Review status: no classification provided. Collection method: in vitro. Allele origin: not applicable. Functional consequence: retained intron. Not counted in ClinVar's aggregate classification.

Dr. Peter K. Rogan Lab, Western University
No classification provided (evidence only). Condition: Ovarian cancer. Review status: no classification provided. Collection method: in vitro. Allele origin: not applicable. Functional consequence: retained intron. Not counted in ClinVar's aggregate classification.